The following is an entry in ClinVar:

ClinVar aggregate classification (germline): Benign/Likely benign. Review status: criteria provided, multiple submitters, no conflicts (2 of 4 stars). 4 submissions from 2 submitters: Benign (2); Likely benign (2). Last evaluated 2018-01-12.

Conditions:
Tooth agenesis, selective, 4 (STHAG4). Also called: SUCCEDANEOUS TEETH, AGENESIS OF; LATERAL INCISORS, ABSENCE OF; LATERAL INCISORS, PEGGED OR MISSING; TOOTH AGENESIS, SELECTIVE, 4, WITH OR WITHOUT ECTODERMAL DYSPLASIA. Identifiers: Orphanet 99798, MedGen C1835492, MONDO:0007881, OMIM 150400. Disease mechanism: loss of function.
Odonto-onycho-dermal dysplasia. Identifiers: Orphanet 2721, MedGen C0796093, MONDO:0009773, OMIM 257980.
Schöpf-Schulz-Passarge syndrome. Also called: ECCRINE TUMORS WITH ECTODERMAL DYSPLASIA; KERATOSIS PALMOPLANTARIS WITH CYSTIC EYELIDS, HYPODONTIA, AND HYPOTRICHOSIS; SchC6pf-Schulz-Passarge syndrome. Identifiers: Orphanet 50944, MedGen C1857069, MONDO:0009145, OMIM 224750.

Allele frequency attached by ClinVar (database versions not stated): 1000 Genomes Project 0.00479; 1000 Genomes Project 30x 0.00484; gnomAD 0.00912 and 0.00919; TOPMed 0.00935; gnomAD exomes 0.01053.
gnomAD v4.1: 1,538 of 167,288 alleles (0.92%); highest among the groups gnomAD compares: Non-Finnish European, 1.4%; 10 homozygotes.

Submissions (4):

Illumina Laboratory Services, Illumina
Classification: Benign for Odonto-onycho-dermal dysplasia. Last evaluated: 2018-01-12. Review status: criteria provided, single submitter. Criteria: ICSL Variant Classification Criteria 13 December 2019. Collection method: clinical testing. Allele origin: germline.
Comment: This variant was observed in the ICSL laboratory as part of a predisposition screen in an ostensibly healthy population. It had not been previously curated by ICSL or reported in the Human Gene Mutation Database (HGMD: prior to June 1st, 2018), and was therefore a candidate for classification through an automated scoring system. Utilizing variant allele frequency, disease prevalence and penetrance estimates, and inheritance mode, an automated score was calculated to assess if this variant is too frequent to cause the disease. Based on the score and internal cut-off values, a variant classified as benign is not then subjected to further curation. The score for this variant resulted in a classification of benign for this disease.

Illumina Laboratory Services, Illumina
Classification: Benign for Schöpf-Schulz-Passarge syndrome. Last evaluated: 2018-01-12. Review status: criteria provided, single submitter. Criteria: ICSL Variant Classification Criteria 13 December 2019. Collection method: clinical testing. Allele origin: germline.
Comment: the same text as in the submission from Illumina Laboratory Services, Illumina above.

Illumina Laboratory Services, Illumina
Classification: Likely benign for Tooth agenesis, selective, 4. Last evaluated: 2018-01-12. Review status: criteria provided, single submitter. Criteria: ICSL Variant Classification Criteria 13 December 2019. Collection method: clinical testing. Allele origin: germline.
Comment: This variant was observed in the ICSL laboratory as part of a predisposition screen in an ostensibly healthy population. It had not been previously curated by ICSL or reported in the Human Gene Mutation Database (HGMD: prior to June 1st, 2018), and was therefore a candidate for classification through an automated scoring system. Utilizing variant allele frequency, disease prevalence and penetrance estimates, and inheritance mode, an automated score was calculated to assess if this variant is too frequent to cause the disease. Based on the score and internal cut-off values, a variant classified as likely benign is not then subjected to further curation. The score for this variant resulted in a classification of likely benign for this disease.

Breakthrough Genomics
Classification: Likely benign. Review status: criteria provided, single submitter. Criteria: ACMG Guidelines, 2015. Collection method: not provided. Allele origin: germline. Inheritance: Autosomal recessive inheritance. Affected: yes.

NM_025216.3(WNT10A):c.*431C>T

Gene: WNT10A (Wnt family member 10A; plus strand). Cytogenetic location: 2q35.
Variant type: single nucleotide variant.
Coding change: c.*431C>T on transcript NM_025216.3 (MANE Select); 431 bases downstream of the stop codon, C replaced by T.
Molecular consequence: 3 prime UTR variant.
Genome position (GRCh38, 1-based): chr2:218,893,702, C>T. VCF-style: chr2-218893702-C-T. GRCh37 (hg19) VCF-style: chr2-219758424-C-T.
Identifiers: ClinVar variation 334422 (VCV000334422.6), dbSNP rs77272502, ClinGen allele CA10612841.